The following is an entry in ClinVar:

NM_005676.5(RBM10):c.373G>T (p.Glu125Ter)

Gene: RBM10 (RNA binding motif protein 10; plus strand). Cytogenetic location: Xp11.3.
Variant type: single nucleotide variant.
Coding change: c.373G>T on transcript NM_005676.5 (MANE Select); coding-DNA position 373, G replaced by T.
Protein change: p.Glu125Ter; replaces glutamic acid 125 with a stop codon.
Molecular consequence: nonsense. On other transcripts: intron variant (2).
Genome position (GRCh38, 1-based): chrX:47,171,199, G>T. VCF-style: chrX-47171199-G-T. GRCh37 (hg19) VCF-style: chrX-47030598-G-T.
Other names: c.373G>T, p.Glu125Ter (NM_001204467.2); c.568G>T, p.Glu190Ter (NM_001204468.2); c.201+1701G>T (NM_001204466.2, NM_152856.3); short protein forms E125*, E190*.
Identifiers: ClinVar variation 1699224 (VCV001699224.3), dbSNP rs2147136759, ClinGen allele CA412791530.
Genomic context (GRCh38, chrX:47,171,199, plus strand): 5'-CAGGACTATCGGACCGAGCAAGGGGAGGAGGAGGAGGAGGAGGAGGATGAGGAGGAGGAG[G>T]AGAAGGCCAGTAACATCGTCATGCTGAGGATGCTGCCACAGGCAGCCACTGAGGATGACG-3'

ClinVar aggregate classification (germline): Pathogenic (1 of 4 stars; one submission).

Conditions:
TARP syndrome (TARPS). Also called: PIERRE ROBIN SYNDROME WITH CONGENITAL HEART MALFORMATION AND CLUBFOOT; TALIPES EQUINOVARUS, ATRIAL SEPTAL DEFECT, ROBIN SEQUENCE, AND PERSISTENCE OF LEFT SUPERIOR VENA CAVA. Identifiers: Orphanet 2886, MedGen C1839463, MONDO:0010711, OMIM 311900.

Submission:

Victorian Clinical Genetics Services, Murdoch Childrens Research Institute
Classification: Pathogenic for TARP syndrome. Last evaluated: 2020-05-26. Review status: criteria provided, single submitter. Criteria: ACMG Guidelines, 2015. Collection method: clinical testing. Allele origin: germline. Inheritance: X-linked recessive inheritance. Affected: yes.
Comment: Based on the classification scheme VCGS_Germline_v1.1.1, this variant is classified as Pathogenic. Following criteria are met: 0102 - Loss-of-function is a known mechanism of disease for this gene. (N) 0109 - This gene is known to be associated with X-linked recessive disease. (N) 0202 - Variant is predicted to cause nonsense-mediated decay (NMD) and loss of protein but is located in an exon that may undergo alternative splicing (exon 4 of 24). (P) 0253 - Variant is hemizygous. (N) 0301 - Variant is absent from gnomAD. (P) 0401 - Variant is located in a gene associated with a severe early-onset condition that is intolerant to loss-of-function variants. (P) 0701 - Comparable variants have very strong previous evidence for pathogenicity. Other variants predicted to result in NMD have previously been classified as pathogenic (ClinVar), including a variant in exon 4 (PMID: 30462380). (P) 0807 - Variant has not previously been reported in a clinical context. (N) 0905 - No segregation evidence has been identified for this variant. (N) 1007 - No published functional evidence has been identified for this variant. (N) Legend: (P) - Pathogenic, (N) - Neutral, (B) - Benign

Literature cited by the submitters: PubMed 30462380.